The following is an entry in ClinVar:

ClinVar aggregate classification (germline): Likely pathogenic (1 of 4 stars; one submission).

Conditions:
Joubert syndrome 23 (JBTS23). Identifiers: Orphanet 475, MedGen C4084822, MONDO:0014664, OMIM 616490.
Short-rib thoracic dysplasia 14 with polydactyly (SRTD14). Identifiers: Orphanet 397715, MedGen C4225286, MONDO:0014688, OMIM 616546.

Submission:

Labcorp Genetics (formerly Invitae), Labcorp
Classification: Likely pathogenic for Joubert syndrome 23; Short-rib thoracic dysplasia 14 with polydactyly. Last evaluated: 2022-02-02. Review status: criteria provided, single submitter. Criteria: Invitae Variant Classification Sherloc (09022015). Collection method: clinical testing. Allele origin: germline.
Comment: In summary, the currently available evidence indicates that the variant is pathogenic, but additional data are needed to prove that conclusively. Therefore, this variant has been classified as Likely Pathogenic. Algorithms developed to predict the effect of sequence changes on RNA splicing suggest that this variant may disrupt the consensus splice site. This variant has not been reported in the literature in individuals affected with KIAA0586-related conditions. This variant is not present in population databases (gnomAD no frequency). This sequence change affects a splice site in intron 32 of the KIAA0586 gene. It is expected to disrupt RNA splicing. Variants that disrupt the donor or acceptor splice site typically lead to a loss of protein function (PMID: 16199547), and loss-of-function variants in KIAA0586 are known to be pathogenic (PMID: 26096313, 26166481, 26386044).

Literature cited by the submitters: PubMed 16199547; PubMed 26096313; PubMed 26166481; PubMed 26386044.

NM_001329943.3(KIAA0586):c.4495+1_4495+2insAAG

Gene: KIAA0586 (KIAA0586; plus strand). Cytogenetic location: 14q23.1.
Variant type: Insertion.
Coding change: c.4495+1_4495+2insAAG on transcript NM_001329943.3 (MANE Select); the canonical splice donor site of the intron after coding-DNA position 4495, AAG inserted.
Molecular consequence: splice donor variant. On other transcripts: intron variant (2).
Genome position: GRCh38 VCF-style: chr14-58540136-G-GGAA. GRCh37 (hg19) VCF-style: chr14-59006854-G-GGAA.
Other names: c.4654+1_4654+2insAAG (NM_001244189.2); c.4450+1_4450+2insAAG (NM_001244190.2); c.4363+1_4363+2insAAG (NM_001244192.2, NM_001329947.2); c.4240+1_4240+2insAAG (NM_001244191.2, NM_001364701.2); c.4495+1_4495+2insAAG (NM_001329944.2); c.4430-7644_4430-7643insAAG (NM_001329946.2); c.4267+1_4267+2insAAG (NM_014749.5); c.4175-7644_4175-7643insAAG (NM_001329945.2).
Identifiers: ClinVar variation 1901041 (VCV001901041.5), dbSNP rs2544559501, ClinGen allele CA2580088268.